The following is an entry in ClinVar:

NM_005502.4(ABCA1):c.6450G>A (p.Pro2150=)

Genes: NIPSNAP3B (nipsnap homolog 3B; plus strand), ABCA1 (ATP binding cassette subfamily A member 1; minus strand). Cytogenetic location: 9q31.1.
Variant type: single nucleotide variant.
Coding change: c.6450G>A on transcript NM_005502.4 (MANE Select); coding-DNA position 6450, G replaced by A.
Protein change: p.Pro2150=; no amino-acid change (proline 2150 retained).
Molecular consequence: synonymous variant.
Genome position (GRCh38, 1-based): chr9:104,785,591, C>T on the plus strand (G>A on the coding strand, the complement: ABCA1 is on the minus strand). VCF-style: chr9-104785591-C-T. GRCh37 (hg19) VCF-style: chr9-107547872-C-T.
Other names: p.Pro2150=.
Identifiers: ClinVar variation 364378 (VCV000364378.22), dbSNP rs61741359, ClinGen allele CA5167531.

ClinVar aggregate classification (germline): Benign/Likely benign. Review status: criteria provided, multiple submitters, no conflicts (2 of 4 stars). 8 submissions from 7 submitters: Benign (6); Likely benign (2). Last evaluated 2026-02-01.

Conditions:
Cardiovascular phenotype. Identifiers: MedGen CN230736.
Tangier disease (TGD). Also called: HIGH DENSITY LIPOPROTEIN DEFICIENCY, TANGIER TYPE; HIGH DENSITY LIPOPROTEIN DEFICIENCY, TYPE 1; Cholesterol thesaurismosis. Identifiers: Orphanet 31150, MedGen C0039292, MONDO:0008783, OMIM 205400.
Hypoalphalipoproteinemia, primary, 1. Identifiers: Orphanet 425, MedGen C5231558, MONDO:0011393, OMIM 604091.

Allele frequency attached by ClinVar (database versions not stated): gnomAD 0.01090 and 0.01152; 1000 Genomes Project 0.01138; gnomAD exomes 0.00308; ExAC 0.00373; TOPMed 0.01257; ESP Exome Variant Server 0.01322; 1000 Genomes Project 30x 0.01359.
gnomAD v4.1: 3,226 of 1,614,088 alleles (0.2%); highest among the groups gnomAD compares: African/African-American, 3.8%; 46 homozygotes.

Submissions (8):

Labcorp Genetics (formerly Invitae), Labcorp
Classification: Benign. Last evaluated: 2026-02-01. Review status: criteria provided, single submitter. Criteria: Invitae Variant Classification Sherloc (09022015). Collection method: clinical testing. Allele origin: germline.

Mayo Clinic Laboratories, Mayo Clinic
Classification: Benign. Last evaluated: 2021-08-06. Review status: criteria provided, single submitter. Criteria: ACMG Guidelines, 2015. Collection method: clinical testing. Allele origin: germline. Observed: 5 variant alleles.
Comment: BS1, BS2, BP4, BP7

GeneDx
Classification: Likely benign. Last evaluated: 2021-04-01. Review status: criteria provided, single submitter. Criteria: GeneDx Variant Classification Process June 2021. Collection method: clinical testing. Allele origin: germline. Affected: yes.

Ambry Genetics
Classification: Benign for Cardiovascular phenotype. Last evaluated: 2020-03-19. Review status: criteria provided, single submitter. Criteria: Ambry Variant Classification Scheme 2023. Collection method: clinical testing. Allele origin: germline.

Illumina Laboratory Services, Illumina
Classification: Benign for Hypoalphalipoproteinemia, primary, 1. Last evaluated: 2018-01-13. Review status: criteria provided, single submitter. Criteria: ICSL Variant Classification Criteria 13 December 2019. Collection method: clinical testing. Allele origin: germline.
Comment: This variant was observed in the ICSL laboratory as part of a predisposition screen in an ostensibly healthy population. It had not been previously curated by ICSL or reported in the Human Gene Mutation Database (HGMD: prior to June 1st, 2018), and was therefore a candidate for classification through an automated scoring system. Utilizing variant allele frequency, disease prevalence and penetrance estimates, and inheritance mode, an automated score was calculated to assess if this variant is too frequent to cause the disease. Based on the score and internal cut-off values, a variant classified as benign is not then subjected to further curation. The score for this variant resulted in a classification of benign for this disease.

Illumina Laboratory Services, Illumina
Classification: Benign for Tangier disease. Last evaluated: 2018-01-13. Review status: criteria provided, single submitter. Criteria: ICSL Variant Classification Criteria 13 December 2019. Collection method: clinical testing. Allele origin: germline.
Comment: the same text as in the submission from Illumina Laboratory Services, Illumina above.

Women's Health and Genetics/Laboratory Corporation of America, LabCorp
Classification: Benign. Last evaluated: 2017-10-23. Review status: criteria provided, single submitter. Criteria: LabCorp Variant Classification Summary - May 2015. Collection method: clinical testing. Allele origin: germline.
Comment: Variant summary: The ABCA1 c.6450G>A (p.Pro2150Pro) variant involves the alteration of a non-conserved nucleotide causing a synonymous change and 4/5 splice prediction tools predict no significant impact on normal splicing. ESE finder predicts that this variant may alter ESE binding. However, these predictions have yet to be confirmed by functional studies. This variant was found in 1069/276712 control chromosomes, predominantly observed in the African subpopulation at a frequency of 0.039381 (946/24022). This frequency is about 3150 times the estimated maximal expected allele frequency of a pathogenic ABCA1 variant (0.0000125), suggesting this is likely a benign polymorphism found primarily in the populations of African origin. In addition, a clinical diagnostic laboratory classified this variant as likely benign. The variant of interest has not, to our knowledge, been reported in affected individuals via publications. Taken together, this variant is classified as benign.

Breakthrough Genomics
Classification: Likely benign. Review status: criteria provided, single submitter. Criteria: ACMG Guidelines, 2015. Collection method: not provided. Allele origin: germline. Inheritance: Autosomal recessive inheritance. Affected: yes.